The following is an entry in ClinVar:

NM_018975.4(TERF2IP):c.58C>G (p.Leu20Val)

Gene: TERF2IP (TERF2 interacting protein; plus strand). Cytogenetic location: 16q23.1.
Variant type: single nucleotide variant.
Coding change: c.58C>G on transcript NM_018975.4 (MANE Select); coding-DNA position 58, C replaced by G.
Protein change: p.Leu20Val; replaces leucine 20 with valine.
Molecular consequence: missense variant. On other transcripts: non-coding transcript variant (1).
Genome position (GRCh38, 1-based): chr16:75,647,940, C>G. VCF-style: chr16-75647940-C-G. GRCh37 (hg19) VCF-style: chr16-75681838-C-G.
Other names: short protein forms L20V.
Identifiers: ClinVar variation 2448525 (VCV002448525.2), dbSNP rs749110924, ClinGen allele CA8177928.

ClinVar aggregate classification (germline): Uncertain significance (1 of 4 stars; one submission).

Allele frequency attached by ClinVar (database versions not stated): ExAC 0.00002.

Submission:

Ambry Genetics
Classification: Uncertain significance. Last evaluated: 2022-11-07. Review status: criteria provided, single submitter. Criteria: Ambry Variant Classification Scheme 2023. Collection method: clinical testing. Allele origin: germline.
Comment: The p.L20V variant (also known as c.58C>G), located in coding exon 1 of the TERF2IP gene, results from a C to G substitution at nucleotide position 58. The leucine at codon 20 is replaced by valine, an amino acid with highly similar properties. This amino acid position is conserved. In addition, this alteration is predicted to be tolerated by in silico analysis. Since supporting evidence is limited at this time, the clinical significance of this alteration remains unclear.